The following is an entry in ClinVar:

ClinVar aggregate classification (germline): Uncertain significance (1 of 4 stars; one submission).

Conditions:
Immunodeficiency, common variable, 10. Also called: DEFICIT IN ANTERIOR PITUITARY FUNCTION AND VARIABLE IMMUNODEFICIENCY; IMMUNODEFICIENCY, COMMON VARIABLE, WITH CENTRAL ADRENAL INSUFFICIENCY. Identifiers: MedGen C3809991, MONDO:0014260, OMIM 615577.

gnomAD v4.1: 4 of 1,613,648 alleles (0.00025%); highest among the groups gnomAD compares: Admixed American, 0.005%; 1 homozygote.

Submission:

Labcorp Genetics (formerly Invitae), Labcorp
Classification: Uncertain significance for Immunodeficiency, common variable, 10. Last evaluated: 2025-09-09. Review status: criteria provided, single submitter. Criteria: Invitae Variant Classification Sherloc (09022015). Collection method: clinical testing. Allele origin: germline.
Comment: This sequence change replaces alanine, which is neutral and non-polar, with proline, which is neutral and non-polar, at codon 563 of the NFKB2 protein (p.Ala563Pro). This variant is not present in population databases (gnomAD no frequency). This variant has not been reported in the literature in individuals affected with NFKB2-related conditions. ClinVar contains an entry for this variant (Variation ID: 2780885). An algorithm developed to predict the effect of missense changes on protein structure and function (PolyPhen-2) suggests that this variant is likely to be disruptive. In summary, the available evidence is currently insufficient to determine the role of this variant in disease. Therefore, it has been classified as a Variant of Uncertain Significance.

NM_001322934.2(NFKB2):c.1687G>C (p.Ala563Pro)

Gene: NFKB2 (nuclear factor kappa B subunit 2; plus strand). Cytogenetic location: 10q24.32.
Variant type: single nucleotide variant.
Coding change: c.1687G>C on transcript NM_001322934.2 (MANE Select); coding-DNA position 1687, G replaced by C.
Protein change: p.Ala563Pro; replaces alanine 563 with proline.
Molecular consequence: missense variant.
Genome position (GRCh38, 1-based): chr10:102,400,380, G>C. VCF-style: chr10-102400380-G-C. GRCh37 (hg19) VCF-style: chr10-104160137-G-C.
Other names: c.1687G>C, p.Ala563Pro (NM_001077493.1, NM_001077494.3, NM_001261403.3 and 2 more transcripts); c.1561G>C, p.Ala521Pro (NM_001322935.1); short protein forms A521P, A563P.
Identifiers: ClinVar variation 2780885 (VCV002780885.3), dbSNP rs2061210577, ClinGen allele CA377901898.